The following is an entry in ClinVar:

NM_000395.3(CSF2RB):c.718+3A>G

Gene: CSF2RB (colony stimulating factor 2 receptor subunit beta; plus strand). Cytogenetic location: 22q12.3.
Variant type: single nucleotide variant.
Coding change: c.718+3A>G on transcript NM_000395.3 (MANE Select); 3 bases into the intron after coding-DNA position 718, A replaced by G.
Molecular consequence: intron variant.
Genome position (GRCh38, 1-based): chr22:36,929,810, A>G. VCF-style: chr22-36929810-A-G. GRCh37 (hg19) VCF-style: chr22-37325852-A-G.
Identifiers: ClinVar variation 1450008 (VCV001450008.6), dbSNP rs531138773, ClinGen allele CA10213550.

ClinVar aggregate classification (germline): Uncertain significance (1 of 4 stars; one submission).

Allele frequency attached by ClinVar (database versions not stated): gnomAD exomes 0.00001; ExAC 0.00002; gnomAD 0.00004 and 0.00005; TOPMed 0.00015; 1000 Genomes Project 30x 0.00016; 1000 Genomes Project 0.00020.
gnomAD v4.1: 19 of 1,613,306 alleles (0.0012%); highest among the groups gnomAD compares: African/African-American, 0.021%; no homozygotes.

Submission:

Labcorp Genetics (formerly Invitae), Labcorp
Classification: Uncertain significance. Last evaluated: 2025-11-04. Review status: criteria provided, single submitter. Criteria: Invitae Variant Classification Sherloc (09022015). Collection method: clinical testing. Allele origin: germline.
Comment: This sequence change falls in intron 6 of the CSF2RB gene. It does not directly change the encoded amino acid sequence of the CSF2RB protein. It affects a nucleotide within the consensus splice site. This variant is present in population databases (rs531138773, gnomAD 0.008%). This variant has not been reported in the literature in individuals affected with CSF2RB-related conditions. ClinVar contains an entry for this variant (Variation ID: 1450008). Variants that disrupt the consensus splice site are a relatively common cause of aberrant splicing (PMID: 17576681, 9536098). Algorithms developed to predict the effect of sequence changes on RNA splicing suggest that this variant may disrupt the consensus splice site. In summary, the available evidence is currently insufficient to determine the role of this variant in disease. Therefore, it has been classified as a Variant of Uncertain Significance.

Literature cited by the submitters: PubMed 17576681; PubMed 9536098.